The following is an entry in ClinVar:

NM_004628.5(XPC):c.2152C>T (p.Arg718Ter)

Gene: XPC (XPC complex subunit, DNA damage recognition and repair factor; minus strand). Cytogenetic location: 3p25.1.
Variant type: single nucleotide variant.
Coding change: c.2152C>T on transcript NM_004628.5 (MANE Select); coding-DNA position 2152, C replaced by T.
Protein change: p.Arg718Ter; replaces arginine 718 with a stop codon.
Molecular consequence: nonsense. On other transcripts: non-coding transcript variant (2).
Genome position (GRCh38, 1-based): chr3:14,148,912, G>A on the plus strand (C>T on the coding strand, the complement: XPC is on the minus strand). VCF-style: chr3-14148912-G-A. GRCh37 (hg19) VCF-style: chr3-14190412-G-A.
Other names: c.1573C>T, p.Arg525Ter (NM_001354726.2); c.2146C>T, p.Arg716Ter (NM_001354727.2); c.2134C>T, p.Arg712Ter (NM_001354729.2); c.1906C>T, p.Arg636Ter (NM_001354730.2); short protein forms R718*, R525*, R636*, R712*, R716*.
Identifiers: ClinVar variation 551486 (VCV000551486.49), dbSNP rs754775337, ClinGen allele CA69742495.

ClinVar aggregate classification (germline): Pathogenic. Review status: criteria provided, multiple submitters, no conflicts (2 of 4 stars). 6 submissions from 6 submitters: Pathogenic (5). 1 of the submissions does not count toward it. Last evaluated 2024-05-21.

Conditions:
Xeroderma pigmentosum (XP). Identifiers: Orphanet 910, MedGen C0043346, MONDO:0019600.
Xeroderma pigmentosum, group C (XPC). Also called: Xeroderma pigmentosum, complementation group C; XERODERMA PIGMENTOSUM III; XP, GROUP C; XPC-Related Xeroderma Pigmentosum. Identifiers: Orphanet 910, MedGen C2752147, MONDO:0010211, OMIM 278720.

Allele frequency attached by ClinVar (database versions not stated): TOPMed 0.00001.
gnomAD v4.1: 7 of 1,613,954 alleles (0.00043%); highest among the groups gnomAD compares: Non-Finnish European, 0.00059%; no homozygotes.

Submissions (6):

Fulgent Genetics
Classification: Pathogenic for Xeroderma pigmentosum, group C. Last evaluated: 2024-05-21. Review status: criteria provided, single submitter. Criteria: ACMG Guidelines, 2015. Collection method: clinical testing. Allele origin: germline.

Labcorp Genetics (formerly Invitae), Labcorp
Classification: Pathogenic. Last evaluated: 2023-10-13. Review status: criteria provided, single submitter. Criteria: Invitae Variant Classification Sherloc (09022015). Collection method: clinical testing. Allele origin: germline.
Comment: This sequence change creates a premature translational stop signal (p.Arg718*) in the XPC gene. It is expected to result in an absent or disrupted protein product. Loss-of-function variants in XPC are known to be pathogenic (PMID: 23173980, 25256075). This variant is not present in population databases (gnomAD no frequency). This premature translational stop signal has been observed in individual(s) with xeroderma pigmentosum (PMID: 10766188, 30101995). ClinVar contains an entry for this variant (Variation ID: 551486). For these reasons, this variant has been classified as Pathogenic.

CeGaT Center for Human Genetics Tuebingen
Classification: Pathogenic. Last evaluated: 2021-06-01. Review status: criteria provided, single submitter. Criteria: CeGaT Center For Human Genetics Tuebingen Variant Classification Criteria Version 2. Collection method: clinical testing. Allele origin: germline. Affected: yes. Observed: 1 variant allele.

Revvity Omics, Revvity
Classification: Pathogenic for Xeroderma pigmentosum, group C. Last evaluated: 2021-03-30. Review status: criteria provided, single submitter. Criteria: ACMG Guidelines, 2015. Collection method: clinical testing. Allele origin: germline.

Women's Health and Genetics/Laboratory Corporation of America, LabCorp
Classification: Pathogenic for Xeroderma pigmentosum. Last evaluated: 2020-12-26. Review status: criteria provided, single submitter. Criteria: LabCorp Variant Classification Summary - May 2015. Collection method: clinical testing. Allele origin: germline.
Comment: Variant summary: XPC c.2152C>T (p.Arg718X) results in a premature termination codon, predicted to cause a truncation of the encoded protein or absence of the protein due to nonsense mediated decay, which are commonly known mechanisms for disease. The variant was absent in 249298 control chromosomes. c.2152C>T has been reported in the literature in individuals affected with Xeroderma Pigmentosum (example, Chavanne_2000, Zhang_2019). These data indicate that the variant is likely to be associated with disease. At least one publication reports experimental evidence evaluating an impact on protein function. The most pronounced variant effect results in 10% of normal DNA repair activity (Chavanne_2000). One clinical diagnostic laboratory has submitted clinical-significance assessments for this variant to ClinVar after 2014 and classified the variant as likely pathogenic citing overlapping evidence utilized in the context of this evaluation. Based on the evidence outlined above, the variant was classified as pathogenic.

Counsyl
Classification: Likely pathogenic for Xeroderma pigmentosum, group C. Last evaluated: 2017-04-12. Review status: no assertion criteria provided. Collection method: clinical testing. Allele origin: unknown. Not counted in ClinVar's aggregate classification.

Literature cited by the submitters: PubMed 23173980 (cited by Labcorp Genetics (formerly Invitae), Labcorp); PubMed 25256075 (cited by Labcorp Genetics (formerly Invitae), Labcorp); PubMed 10766188 (cited by 3 submitters); PubMed 30101995 (cited by Labcorp Genetics (formerly Invitae), Labcorp and Women's Health and Genetics/Laboratory Corporation of America, LabCorp); PubMed 20054342 (cited by Women's Health and Genetics/Laboratory Corporation of America, LabCorp); PubMed 19609301 (cited by Counsyl); PubMed 25525159 (cited by Counsyl).